The following is an entry in ClinVar:

NM_000503.6(EYA1):c.1051-5T>G

Gene: EYA1 (EYA transcriptional coactivator and phosphatase 1; minus strand). Cytogenetic location: 8q13.3.
Variant type: single nucleotide variant.
Coding change: c.1051-5T>G on transcript NM_000503.6 (MANE Select); 5 bases into the intron before coding-DNA position 1051, T replaced by G.
Molecular consequence: intron variant.
Genome position (GRCh38, 1-based): chr8:71,244,697, A>C on the plus strand (T>G on the coding strand, the complement: EYA1 is on the minus strand). VCF-style: chr8-71244697-A-C. GRCh37 (hg19) VCF-style: chr8-72156932-A-C.
Other names: c.1119+25043T>G (NM_001370336.1); c.1138-5T>G (NM_001370333.1); c.1051-5T>G (NM_001370335.1, NM_001370334.1, NM_172058.4); c.1122+25043T>G (NM_172059.5); c.685-5T>G (NM_001288575.2); c.1033-5T>G (NM_001288574.2).
Identifiers: ClinVar variation 1301541 (VCV001301541.2), dbSNP rs2128904621, ClinGen allele CA2573053052.
Genomic context (GRCh38, chr8:71,244,697, plus strand): 5'-AAGTTGAAAATCATTTCTTCCATTCGCAGTCCAAGGGAAACTGAAGTGGGTGGATCCTAA[A>C]ATAAGAATATGACAGGTGAAGAACATGTATACTTCAGGTTACATGAAAGAGAGTGTCTCA-3'

ClinVar aggregate classification (germline): Likely pathogenic. Review status: criteria provided, single submitter (1 of 4 stars). 2 submissions from 1 submitter: Likely pathogenic (1). 1 of the submissions does not count toward it. Last evaluated 2022-12-17.

Conditions:
Branchiootorenal syndrome 1. Also called: Branchio-Oto-Renal Syndrome 1. Identifiers: Orphanet 107, MedGen C4551702, MONDO:0007236, OMIM 113650.

Submissions (2):

Dubai Health Genomic Medicine Center, Dubai Health
Classification: Likely pathogenic. Last evaluated: 2022-12-17. Review status: criteria provided, single submitter. Criteria: ACMG Guidelines, 2015. Collection method: clinical testing. Allele origin: germline. Affected: yes.

Dubai Health Genomic Medicine Center, Dubai Health
Classification: Uncertain significance for Branchiootorenal syndrome 1. Last evaluated: 2020-08-17. Review status: flagged submission. Criteria: ACMG Guidelines, 2015. Collection method: clinical testing. Allele origin: germline. Affected: yes. Not counted in ClinVar's aggregate classification.
Comment: The 1051-5T>G variant in EYA1 has not been previously reported in individuals with disease and was absent from large population studies such as the Genome Aggregation Database (gnoaAD) and the Greater Middle East (GME) Variome Database. This variant is located in the 3' splice region. Computational tools suggest a possible impact to splicing though this information is not predictive enough to rule confirm pathogenicity. In summary additional information is needed to fully assess its clinical significance.
ClinVar note: Reason: This record appears to be redundant with a more recent record from the same submitter.
ClinVar note: Notes: SCV001984017 appears to be redundant with SCV002818195.
ClinVar note: Reason: New submission from submitter that appears to have been intended to update this older submission